The following is an entry in ClinVar:

ClinVar aggregate classification (germline): Uncertain significance (1 of 4 stars; one submission).

Conditions:
Neuronopathy, distal hereditary motor, autosomal recessive 4. Also called: NEUROPATHY, DISTAL HEREDITARY MOTOR, AUTOSOMAL RECESSIVE 4; Autosomal recessive lower motor neuron disease with childhood onset. Identifiers: Orphanet 206580, MedGen C1970211, MONDO:0012608, OMIM 611067.
Charcot-Marie-Tooth disease recessive intermediate C. Also called: CHARCOT-MARIE-TOOTH NEUROPATHY, RECESSIVE INTERMEDIATE C. Identifiers: Orphanet 369867, MedGen C3809309, MONDO:0014154, OMIM 615376.

Allele frequency attached by ClinVar (database versions not stated): gnomAD exomes below 0.00001; TOPMed below 0.00001; gnomAD 0.00001.
gnomAD v4.1: 3 of 1,602,338 alleles (0.00019%); highest among the groups gnomAD compares: Non-Finnish European, 0.00026%; no homozygotes.

Submission:

Labcorp Genetics (formerly Invitae), Labcorp
Classification: Uncertain significance for Neuronopathy, distal hereditary motor, autosomal recessive 4; Charcot-Marie-Tooth disease recessive intermediate C. Last evaluated: 2022-03-02. Review status: criteria provided, single submitter. Criteria: Invitae Variant Classification Sherloc (09022015). Collection method: clinical testing. Allele origin: germline.
Comment: This sequence change replaces glycine, which is neutral and non-polar, with glutamic acid, which is acidic and polar, at codon 975 of the PLEKHG5 protein (p.Gly975Glu). This variant is present in population databases (no rsID available, gnomAD 0.0009%). This variant has not been reported in the literature in individuals affected with PLEKHG5-related conditions. Algorithms developed to predict the effect of missense changes on protein structure and function are either unavailable or do not agree on the potential impact of this missense change (SIFT: "Tolerated"; PolyPhen-2: "Possibly Damaging"; Align-GVGD: "Class C0"). In summary, the available evidence is currently insufficient to determine the role of this variant in disease. Therefore, it has been classified as a Variant of Uncertain Significance.

NM_020631.6(PLEKHG5):c.2924G>A (p.Gly975Glu)

Gene: PLEKHG5 (pleckstrin homology and RhoGEF domain containing G5; minus strand). Cytogenetic location: 1p36.31.
Variant type: single nucleotide variant.
Coding change: c.2924G>A on transcript NM_020631.6 (MANE Select); coding-DNA position 2924, G replaced by A.
Protein change: p.Gly975Glu; replaces glycine 975 with glutamic acid.
Molecular consequence: missense variant. On other transcripts: intron variant (1).
Genome position (GRCh38, 1-based): chr1:6,467,912, C>T on the plus strand (G>A on the coding strand, the complement: PLEKHG5 is on the minus strand). VCF-style: chr1-6467912-C-T. GRCh37 (hg19) VCF-style: chr1-6527972-C-T.
Other names: c.3035G>A, p.Gly1012Glu (NM_001042663.3, NM_001265592.2); c.2924G>A, p.Gly975Glu (NM_001042664.2, NM_001042665.2, NM_198681.4); c.3131G>A, p.Gly1044Glu (NM_001265593.2); c.2738-14G>A (NM_001265594.3); short protein forms G975E, G1012E, G1044E.
Identifiers: ClinVar variation 1929607 (VCV001929607.2), dbSNP rs904247137, ClinGen allele CA17233257.
Genomic context (GRCh38, chr1:6,467,912, plus strand): 5'-AGGGTGGTCCTGATTCGGTAGAGCTGGGCCAGGGTCAGCTTCCTGTGCTGGGCAGAGACC[C>T]CTGGTGGGGGCTCAGGCTGGACCCTGGGAGAGGCCCCCGAGGGCAGGTCTCCACACCTCT-3'
Protein context (NP_065682.2, residues 965-985): SPRVQPEPPP[Gly975Glu]VSAQHRKLTL